The following is an entry in ClinVar:

NM_001297595.2(SIN3B):c.377G>A (p.Ser126Asn)

Gene: SIN3B (SIN3 transcription regulator family member B; plus strand). Cytogenetic location: 19p13.11.
Variant type: single nucleotide variant.
Coding change: c.377G>A on transcript NM_001297595.2 (MANE Select); coding-DNA position 377, G replaced by A.
Protein change: p.Ser126Asn; replaces serine 126 with asparagine.
Molecular consequence: missense variant.
Genome position (GRCh38, 1-based): chr19:16,831,643, G>A. VCF-style: chr19-16831643-G-A. GRCh37 (hg19) VCF-style: chr19-16942454-G-A.
Other names: c.377G>A, p.Ser126Asn (NM_015260.4); short protein forms S126N.
Identifiers: ClinVar variation 1698047 (VCV001698047.2), dbSNP rs1971280051, ClinGen allele CA404637426.

ClinVar aggregate classification (germline): Uncertain significance (1 of 4 stars; one submission).

Submission:

GeneDx
Classification: Uncertain significance. Last evaluated: 2022-01-23. Review status: criteria provided, single submitter. Criteria: GeneDx Variant Classification Process June 2021. Collection method: clinical testing. Allele origin: germline. Affected: yes.
Comment: Not observed at significant frequency in large population cohorts (gnomAD); In silico analysis supports that this missense variant does not alter protein structure/function; Has not been previously published as pathogenic or benign to our knowledge